The following is an entry in ClinVar:

NM_001048174.2(MUTYH):c.846G>C (p.Gln282His)

Gene: MUTYH (mutY DNA glycosylase; minus strand). Cytogenetic location: 1p34.1.
Variant type: single nucleotide variant.
Coding change: c.846G>C on transcript NM_001048174.2 (MANE Select); coding-DNA position 846, G replaced by C.
Protein change: p.Gln282His; replaces glutamine 282 with histidine.
Molecular consequence: missense variant. On other transcripts: non-coding transcript variant (2).
Genome position (GRCh38, 1-based): chr1:45,332,169, C>G on the plus strand (G>C on the coding strand, the complement: MUTYH is on the minus strand). VCF-style: chr1-45332169-C-G. GRCh37 (hg19) VCF-style: chr1-45797841-C-G.
Other names: c.846G>C, p.Gln282His (NM_001048171.2, NM_001048173.2, NM_001293195.2); c.849G>C, p.Gln283His (NM_001048172.2); c.930G>C, p.Gln310His (NM_001128425.2); c.891G>C, p.Gln297His (NM_001293190.2); c.879G>C, p.Gln293His (NM_001293191.2); c.570G>C, p.Gln190His (NM_001293192.2, NM_001293196.2); c.501G>C, p.Gln167His (NM_001350650.2, NM_001350651.2); c.921G>C, p.Gln307His (NM_012222.3); short protein forms Q310H, Q190H, Q282H, Q293H, Q297H, Q167H, Q307H, Q283H.
Identifiers: ClinVar variation 418918 (VCV000418918.2), dbSNP rs1064793522, ClinGen allele CA16617159.
Genomic context (GRCh38, chr1:45,332,169, plus strand): 5'-TCATAGGGCAGAGTCACTCCTTAGGACTTCTCACTGCCCCTTCCCCAGTAGGCTTACTCT[C>G]TGGCGTGCCCGGCACAGGCTCTCCACAGGGCACTGGCTGCACAGTGGGCGCTGTGGGGTA-3'
Protein context (NP_001041639.1, residues 272-292): CPVESLCRAR[Gln282His]RVEQEQLLAS

ClinVar aggregate classification (germline): Uncertain significance (1 of 4 stars; one submission).

Allele frequency attached by ClinVar (database versions not stated): gnomAD exomes below 0.00001.
gnomAD v4.1: 4 of 1,614,212 alleles (0.00025%); highest among the groups gnomAD compares: Non-Finnish European, 0.00034%; no homozygotes.

Submission:

GeneDx
Classification: Uncertain significance. Last evaluated: 2015-04-21. Review status: criteria provided, single submitter. Criteria: GeneDx Variant Classification (06012015). Collection method: clinical testing. Allele origin: germline. Affected: yes.
Comment: This variant is denoted MUTYH c.930G>C at the cDNA level, p.Gln310His (Q310H) at the protein level, and results in the change of a Glutamine to a Histidine (CAG>CAC). Shinmura et al. (2000) report that this variant, referred to as MYH type 2-H310, is associated with glycosylase activity and spontaneous mutagenesis suppression similar to wild type in in vitro assays. MUTYH Gln310His was not observed in approximately 6,500 individuals of European and African American ancestry in the NHLBI Exome Sequencing Project, indicating it is not a common benign variant in these populations. Since Glutamine and Histidine differ in some properties, this is considered a semi-conservative amino acid substitution. MUTYH Gln310His occurs at a position that is conserved through mammals and is located within the FeS cluster (Ruggieri 2013). In silico analyses are inconsistent regarding the effect this variant may have on protein structure and function. Based on currently available information, it is unclear whether MUTYH Gln310His is pathogenic or benign. We consider it to be a variant of uncertain significance. Of note, MUTYH-Associated Polyposis (MAP) is a recessive condition associated with two pathogenic variants on opposite chromosomes in MUTYH.